The following is an entry in ClinVar:

ClinVar aggregate classification (germline): Uncertain significance (1 of 4 stars; one submission).

Conditions:
Cardiovascular phenotype. Identifiers: MedGen CN230736.

gnomAD v4.1: 1 of 1,550,390 alleles (0.000064%); highest among the groups gnomAD compares: Non-Finnish European, 0.000087%; no homozygotes.

Submission:

Ambry Genetics
Classification: Uncertain significance for Cardiovascular phenotype. Last evaluated: 2024-04-09. Review status: criteria provided, single submitter. Criteria: Ambry Variant Classification Scheme 2023. Collection method: clinical testing. Allele origin: germline.
Comment: The p.P2548S variant (also known as c.7642C>T), located in coding exon 2 of the ZNF469 gene, results from a C to T substitution at nucleotide position 7642. The proline at codon 2548 is replaced by serine, an amino acid with similar properties. This amino acid position is conserved. In addition, this alteration is predicted to be tolerated by in silico analysis. Based on the available evidence, the clinical significance of this variant remains unclear.

NM_001367624.2(ZNF469):c.7726C>T (p.Pro2576Ser)

Gene: ZNF469 (zinc finger protein 469; plus strand). Cytogenetic location: 16q24.2.
Variant type: single nucleotide variant.
Coding change: c.7726C>T on transcript NM_001367624.2 (MANE Select); coding-DNA position 7726, C replaced by T.
Protein change: p.Pro2576Ser; replaces proline 2576 with serine.
Molecular consequence: missense variant.
Genome position (GRCh38, 1-based): chr16:88,435,196, C>T. VCF-style: chr16-88435196-C-T. GRCh37 (hg19) VCF-style: chr16-88501604-C-T.
Other names: NM_001127464.1:c.7642C>T; short protein forms P2576S.
Identifiers: ClinVar variation 3258234 (VCV003258234.1).
Genomic context (GRCh38, chr16:88,435,196, plus strand): 5'-CAGGGCTCAAAGGAGGTTCTCAGAGCACCGGGGTCCCCACACAGCCAGCAGCTGCACCCT[C>T]CAAGCCCTACTGAGCATGAGGTAGATGTGAAGACTCCGGCCTCCAAGCCCAGACCAGACC-3'
Protein context (NP_001354553.1, residues 2566-2586): GSPHSQQLHP[Pro2576Ser]SPTEHEVDVK